The following is an entry in ClinVar:

NM_003742.4(ABCB11):c.1435-1G>A

Gene: ABCB11 (ATP binding cassette subfamily B member 11; minus strand). Cytogenetic location: 2q31.1.
Variant type: single nucleotide variant.
Coding change: c.1435-1G>A on transcript NM_003742.4 (MANE Select); the canonical splice acceptor site of the intron before coding-DNA position 1435, G replaced by A.
Molecular consequence: splice acceptor variant.
Genome position (GRCh38, 1-based): chr2:168,972,051, C>T on the plus strand (G>A on the coding strand, the complement: ABCB11 is on the minus strand). VCF-style: chr2-168972051-C-T. GRCh37 (hg19) VCF-style: chr2-169828561-C-T.
Identifiers: ClinVar variation 2009100 (VCV002009100.4), dbSNP rs2545389884, ClinGen allele CA349116207.

ClinVar aggregate classification (germline): Likely pathogenic (1 of 4 stars; one submission).

Submission:

Labcorp Genetics (formerly Invitae), Labcorp
Classification: Likely pathogenic. Last evaluated: 2022-06-22. Review status: criteria provided, single submitter. Criteria: Invitae Variant Classification Sherloc (09022015). Collection method: clinical testing. Allele origin: germline.
Comment: Algorithms developed to predict the effect of sequence changes on RNA splicing suggest that this variant may disrupt the consensus splice site. This variant has not been reported in the literature in individuals affected with ABCB11-related conditions. In summary, the currently available evidence indicates that the variant is pathogenic, but additional data are needed to prove that conclusively. Therefore, this variant has been classified as Likely Pathogenic. This variant is not present in population databases (gnomAD no frequency). This sequence change affects an acceptor splice site in intron 13 of the ABCB11 gene. It is expected to disrupt RNA splicing. Variants that disrupt the donor or acceptor splice site typically lead to a loss of protein function (PMID: 16199547), and loss-of-function variants in ABCB11 are known to be pathogenic (PMID: 18395098, 20232290).

Literature cited by the submitters: PubMed 16199547; PubMed 18395098; PubMed 20232290.